The following is an entry in ClinVar:

NM_001853.4(COL9A3):c.1864+5G>C

Gene: COL9A3 (collagen type IX alpha 3 chain; plus strand). Cytogenetic location: 20q13.33.
Variant type: single nucleotide variant.
Coding change: c.1864+5G>C on transcript NM_001853.4 (MANE Select); 5 bases into the intron after coding-DNA position 1864, G replaced by C.
Molecular consequence: intron variant.
Genome position (GRCh38, 1-based): chr20:62,838,766, G>C. VCF-style: chr20-62838766-G-C. GRCh37 (hg19) VCF-style: chr20-61470118-G-C.
Identifiers: ClinVar variation 4769513 (VCV004769513.1).

ClinVar aggregate classification (germline): Uncertain significance (1 of 4 stars; one submission).

gnomAD v4.1: 1 of 1,551,186 alleles (0.000064%); highest among the groups gnomAD compares: South Asian, 0.0012%; no homozygotes.

Submission:

Labcorp Genetics (formerly Invitae), Labcorp
Classification: Uncertain significance. Last evaluated: 2025-09-28. Review status: criteria provided, single submitter. Criteria: Invitae Variant Classification Sherloc (09022015). Collection method: clinical testing. Allele origin: germline.
Comment: This sequence change falls in intron 31 of the COL9A3 gene. It does not directly change the encoded amino acid sequence of the COL9A3 protein. It affects a nucleotide within the consensus splice site. This variant is present in population databases (no rsID available, gnomAD 0.004%). This variant has not been reported in the literature in individuals affected with COL9A3-related conditions. Variants that disrupt the consensus splice site are a relatively common cause of aberrant splicing (PMID: 17576681, 9536098). Algorithms developed to predict the effect of sequence changes on RNA splicing suggest that this variant is not likely to affect RNA splicing. In summary, the available evidence is currently insufficient to determine the role of this variant in disease. Therefore, it has been classified as a Variant of Uncertain Significance.

Literature cited by the submitters: PubMed 17576681; PubMed 9536098.